The following is an entry in ClinVar:

NM_017636.4(TRPM4):c.3449G>A (p.Arg1150His)

Gene: TRPM4 (transient receptor potential cation channel subfamily M member 4; plus strand). Cytogenetic location: 19q13.33.
Variant type: single nucleotide variant.
Coding change: c.3449G>A on transcript NM_017636.4 (MANE Select); coding-DNA position 3449, G replaced by A.
Protein change: p.Arg1150His; replaces arginine 1150 with histidine.
Molecular consequence: missense variant.
Genome position (GRCh38, 1-based): chr19:49,210,830, G>A. VCF-style: chr19-49210830-G-A. GRCh37 (hg19) VCF-style: chr19-49714087-G-A.
Other names: c.3014G>A, p.Arg1005His (NM_001195227.2); c.3104G>A, p.Arg1035His (NM_001321281.2); c.1841G>A, p.Arg614His (NM_001321282.2); c.2927G>A, p.Arg976His (NM_001321283.2); c.2387G>A, p.Arg796His (NM_001321285.2); short protein forms R1150H, R614H, R796H, R1005H, R1035H, R976H.
Identifiers: ClinVar variation 2064577 (VCV002064577.4), dbSNP rs1273337644, ClinGen allele CA406773227.

ClinVar aggregate classification (germline): Uncertain significance (1 of 4 stars; one submission).

Conditions:
Progressive familial heart block type IB (PFHB1B). Identifiers: Orphanet 871, MedGen C1970298, MONDO:0011474, OMIM 604559.

Submission:

Labcorp Genetics (formerly Invitae), Labcorp
Classification: Uncertain significance for Progressive familial heart block type IB. Last evaluated: 2021-12-29. Review status: criteria provided, single submitter. Criteria: Invitae Variant Classification Sherloc (09022015). Collection method: clinical testing. Allele origin: germline.
Comment: In summary, the available evidence is currently insufficient to determine the role of this variant in disease. Therefore, it has been classified as a Variant of Uncertain Significance. Algorithms developed to predict the effect of missense changes on protein structure and function are either unavailable or do not agree on the potential impact of this missense change (SIFT: "Deleterious"; PolyPhen-2: "Probably Damaging"; Align-GVGD: "Class C0"). This variant has not been reported in the literature in individuals affected with TRPM4-related conditions. This variant is not present in population databases (gnomAD no frequency). This sequence change replaces arginine, which is basic and polar, with histidine, which is basic and polar, at codon 1150 of the TRPM4 protein (p.Arg1150His).